The following is an entry in ClinVar:

ClinVar aggregate classification (germline): Uncertain significance (1 of 4 stars; one submission).

Conditions:
Hypercoagulability syndrome due to glycosylphosphatidylinositol deficiency (GPIBD1). Also called: GLYCOSYLPHOSPHATIDYLINOSITOL BIOSYNTHESIS DEFECT 1. Identifiers: Orphanet 83639, MedGen C5201145, MONDO:0012465, OMIM 610293.

Allele frequency attached by ClinVar (database versions not stated): gnomAD 0.00001; ExAC 0.00003; 1000 Genomes Project 0.00040; TOPMed 0.00001; 1000 Genomes Project 30x 0.00047.

Submission:

Labcorp Genetics (formerly Invitae), Labcorp
Classification: Uncertain significance for Hypercoagulability syndrome due to glycosylphosphatidylinositol deficiency. Last evaluated: 2025-06-12. Review status: criteria provided, single submitter. Criteria: Invitae Variant Classification Sherloc (09022015). Collection method: clinical testing. Allele origin: germline.
Comment: This sequence change replaces leucine, which is neutral and non-polar, with valine, which is neutral and non-polar, at codon 153 of the PIGM protein (p.Leu153Val). This variant is present in population databases (rs554391544, gnomAD 0.004%). This variant has not been reported in the literature in individuals affected with PIGM-related conditions. ClinVar contains an entry for this variant (Variation ID: 2742356). Invitae Evidence Modeling of protein sequence and biophysical properties (such as structural, functional, and spatial information, amino acid conservation, physicochemical variation, residue mobility, and thermodynamic stability) indicates that this missense variant is not expected to disrupt PIGM protein function with a negative predictive value of 80%. In summary, the available evidence is currently insufficient to determine the role of this variant in disease. Therefore, it has been classified as a Variant of Uncertain Significance.

NM_145167.3(PIGM):c.457C>G (p.Leu153Val)

Gene: PIGM (phosphatidylinositol glycan anchor biosynthesis class M; minus strand). Cytogenetic location: 1q23.2.
Variant type: single nucleotide variant.
Coding change: c.457C>G on transcript NM_145167.3 (MANE Select); coding-DNA position 457, C replaced by G.
Protein change: p.Leu153Val; replaces leucine 153 with valine.
Molecular consequence: missense variant.
Genome position (GRCh38, 1-based): chr1:160,031,283, G>C on the plus strand (C>G on the coding strand, the complement: PIGM is on the minus strand). VCF-style: chr1-160031283-G-C. GRCh37 (hg19) VCF-style: chr1-160001073-G-C.
Other names: short protein forms L153V.
Identifiers: ClinVar variation 2742356 (VCV002742356.3), dbSNP rs554391544, ClinGen allele CA1193034.
Genomic context (GRCh38, chr1:160,031,283, plus strand): 5'-AGAATACAGCTGCACACGCGACGAGTCTTTTCTTTATCAAGTAGAGGACCATCAGGACCA[G>C]GGAGGCGACAATAGAGTCCGCATTACCGCGGCTGGATACTGCCATAGGCAGGGGGTTAAG-3'
Protein context (NP_660150.1, residues 143-163): RGNADSIVAS[Leu153Val]VLMVLYLIKK